The following is an entry in ClinVar:

NM_015512.5(DNAH1):c.463G>A (p.Gly155Arg)

Gene: DNAH1 (dynein axonemal heavy chain 1; plus strand). Cytogenetic location: 3p21.1.
Variant type: single nucleotide variant.
Coding change: c.463G>A on transcript NM_015512.5 (MANE Select); coding-DNA position 463, G replaced by A.
Protein change: p.Gly155Arg; replaces glycine 155 with arginine.
Molecular consequence: missense variant.
Genome position (GRCh38, 1-based): chr3:52,326,196, G>A. VCF-style: chr3-52326196-G-A. GRCh37 (hg19) VCF-style: chr3-52360212-G-A.
Other names: short protein forms G155R.
Identifiers: ClinVar variation 4793908 (VCV004793908.1).

ClinVar aggregate classification (germline): Uncertain significance (1 of 4 stars; one submission).

Conditions:
Spermatogenic failure 18. Identifiers: MedGen C4539783, MONDO:0054615, OMIM 617576.
Ciliary dyskinesia, primary, 37 (CILD37). Also called: CILIARY DYSKINESIA, PRIMARY, 37, WITH OR WITHOUT SITUS INVERSUS. Identifiers: MedGen C4539798, MONDO:0033204, OMIM 617577.

gnomAD v4.1: 12 of 1,612,778 alleles (0.00074%); highest among the groups gnomAD compares: Admixed American, 0.0083%; no homozygotes.

Submission:

Labcorp Genetics (formerly Invitae), Labcorp
Classification: Uncertain significance for Ciliary dyskinesia, primary, 37; Spermatogenic failure 18. Last evaluated: 2025-08-30. Review status: criteria provided, single submitter. Criteria: Invitae Variant Classification Sherloc (09022015). Collection method: clinical testing. Allele origin: germline.
Comment: This sequence change replaces glycine, which is neutral and non-polar, with arginine, which is basic and polar, at codon 155 of the DNAH1 protein (p.Gly155Arg). This variant is present in population databases (no rsID available, gnomAD 0.006%). This variant has not been reported in the literature in individuals affected with DNAH1-related conditions. An algorithm developed to predict the effect of missense changes on protein structure and function (PolyPhen-2) suggests that this variant is likely to be tolerated. In summary, the available evidence is currently insufficient to determine the role of this variant in disease. Therefore, it has been classified as a Variant of Uncertain Significance.